The following is an entry in ClinVar:

ClinVar aggregate classification (germline): Uncertain significance (1 of 4 stars; one submission).

Conditions:
Cerebral folate transport deficiency. Also called: Neurodegenerative syndrome due to cerebral folate transport deficiency; Cerebral folate deficiency syndrome; FOLATE RECEPTOR DEFICIENCY; NEURODEGENERATION DUE TO CEREBRAL FOLATE TRANSPORT DEFICIENCY; FOLR1-Related Cerebral Folate Transport Deficiency. Identifiers: Orphanet 217382, MedGen C2751584, MONDO:0013110, OMIM 613068. Disease mechanism: loss of function.

Allele frequency attached by ClinVar (database versions not stated): gnomAD exomes 0.00001.
gnomAD v4.1: 24 of 1,614,150 alleles (0.0015%); highest among the groups gnomAD compares: Non-Finnish European, 0.0016%; no homozygotes.

Submission:

Labcorp Genetics (formerly Invitae), Labcorp
Classification: Uncertain significance for Cerebral folate transport deficiency. Last evaluated: 2022-04-19. Review status: criteria provided, single submitter. Criteria: Invitae Variant Classification Sherloc (09022015). Collection method: clinical testing. Allele origin: germline.
Comment: This sequence change creates a premature translational stop signal (p.Trp242*) in the FOLR1 gene. While this is not anticipated to result in nonsense mediated decay, it is expected to disrupt the last 16 amino acid(s) of the FOLR1 protein. This variant is not present in population databases (gnomAD no frequency). This premature translational stop signal has been observed in individual(s) with seizures, motor deficits, speech defects, and abnormal EEG (Invitae). ClinVar contains an entry for this variant (Variation ID: 470727). Experimental studies and prediction algorithms are not available or were not evaluated, and the functional significance of this variant is currently unknown. In summary, the available evidence is currently insufficient to determine the role of this variant in disease. Therefore, it has been classified as a Variant of Uncertain Significance.

NM_016729.3(FOLR1):c.726G>A (p.Trp242Ter)

Genes: FOLR1-AS1 (FOLR1 antisense RNA 1; minus strand), FOLR1 (folate receptor alpha; plus strand). Cytogenetic location: 11q13.4.
Variant type: single nucleotide variant.
Coding change: c.726G>A on transcript NM_016729.3 (MANE Select); coding-DNA position 726, G replaced by A.
Protein change: p.Trp242Ter; replaces tryptophan 242 with a stop codon.
Molecular consequence: nonsense.
Genome position (GRCh38, 1-based): chr11:72,196,129, G>A. VCF-style: chr11-72196129-G-A. GRCh37 (hg19) VCF-style: chr11-71907173-G-A.
Other names: c.726G>A, p.Trp242Ter (NM_000802.3, NM_016724.3, NM_016725.3); short protein forms W242*.
Identifiers: ClinVar variation 470727 (VCV000470727.4), dbSNP rs752932113, ClinGen allele CA381735327.